The following is an entry in ClinVar:

ClinVar aggregate classification (germline): Pathogenic. Review status: criteria provided, multiple submitters, no conflicts (2 of 4 stars). 4 submissions from 4 submitters: Pathogenic (3). 1 of the submissions does not count toward it. Last evaluated 2025-07-29.

Conditions:
Primary ciliary dyskinesia. Also called: Ciliary dyskinesia. Identifiers: Orphanet 244, MedGen C0008780, MONDO:0016575, HP:0012265.
Ciliary dyskinesia, primary, 37 (CILD37). Also called: CILIARY DYSKINESIA, PRIMARY, 37, WITH OR WITHOUT SITUS INVERSUS. Identifiers: MedGen C4539798, MONDO:0033204, OMIM 617577.
Spermatogenic failure 18. Identifiers: MedGen C4539783, MONDO:0054615, OMIM 617576.

Allele frequency attached by ClinVar (database versions not stated): gnomAD exomes 0.00002 and 0.00010; gnomAD 0.00004 and 0.00005; TOPMed 0.00007; ExAC 0.00010; 1000 Genomes Project 30x 0.00016.

Submissions (4):

Labcorp Genetics (formerly Invitae), Labcorp
Classification: Pathogenic for Ciliary dyskinesia, primary, 37; Spermatogenic failure 18. Last evaluated: 2025-07-29. Review status: criteria provided, single submitter. Criteria: Invitae Variant Classification Sherloc (09022015). Collection method: clinical testing. Allele origin: germline.
Comment: This sequence change creates a premature translational stop signal (p.Pro3909Argfs*33) in the DNAH1 gene. It is expected to result in an absent or disrupted protein product. Loss-of-function variants in DNAH1 are known to be pathogenic (PMID: 27573432, 27798045). This variant is present in population databases (rs779490893, gnomAD 0.1%). This premature translational stop signal has been observed in individual(s) with multiple morphological anomalies of the flagella (PMID: 27573432). ClinVar contains an entry for this variant (Variation ID: 430860). For these reasons, this variant has been classified as Pathogenic.

Department of Pathology and Laboratory Medicine, Sinai Health System
Classification: Pathogenic for Primary ciliary dyskinesia. Last evaluated: 2023-09-25. Review status: criteria provided, single submitter. Criteria: ACMG Guidelines, 2015. Collection method: research. Allele origin: germline.

Juno Genomics, Hangzhou Juno Genomics, Inc
Classification: Pathogenic for Spermatogenic failure 18; Ciliary dyskinesia, primary, 37. Review status: criteria provided, single submitter. Criteria: ACMG Guidelines, 2015. Collection method: clinical testing. Allele origin: germline. Affected: yes.
Comment: Null variant in a gene where loss of function (LOF) is a known mechanism of disease.;For recessive disorders, detected in trans with a pathogenic variant.;Patient's phenotype or family history is highly specific for a disease with a single genetic etiology.

OMIM
Classification: Pathogenic for SPERMATOGENIC FAILURE 18. Last evaluated: 2023-06-06. Review status: no assertion criteria provided. Collection method: literature only. Allele origin: germline. Not counted in ClinVar's aggregate classification.

Literature cited by the submitters: PubMed 27573432 (cited by Labcorp Genetics (formerly Invitae), Labcorp and OMIM); PubMed 27798045 (cited by Labcorp Genetics (formerly Invitae), Labcorp); PubMed 28577616 (cited by OMIM).

NM_015512.5(DNAH1):c.11726_11727del (p.Pro3909fs)

Gene: DNAH1 (dynein axonemal heavy chain 1; plus strand). Cytogenetic location: 3p21.1.
Variant type: Deletion.
Coding change: c.11726_11727del on transcript NM_015512.5 (MANE Select); coding-DNA positions 11726 to 11727, 2 bases deleted (CT; older notation c.11726_11727delCT).
Protein change: p.Pro3909fs; shifts the reading frame from proline 3909.
Molecular consequence: frameshift variant.
Genome position (GRCh38, 1-based): chr3:52,396,983-52,396,984, CT deleted. VCF-style (leftmost placement, unchanged base first): chr3-52396982-CCT-C. GRCh37 (hg19) VCF-style: chr3-52430998-CCT-C.
Other names: short protein forms P3909fs.
Identifiers: ClinVar variation 430860 (VCV000430860.10), dbSNP rs779490893, ClinGen allele CA2436265.